The following is an entry in ClinVar:

ClinVar aggregate classification (germline): Uncertain significance. Review status: criteria provided, multiple submitters, no conflicts (2 of 4 stars). 5 submissions from 5 submitters: Uncertain significance (5). Last evaluated 2024-11-11.

Conditions:
Familial cancer of breast. Also called: Hereditary breast cancer; hereditary breast carcinoma; BREAST CANCER, FAMILIAL. Identifiers: Orphanet 227535, MedGen C0346153, MONDO:0016419, OMIM 114480. Disease mechanism: loss of function.
Fanconi anemia complementation group J. Also called: BRIP1-Related Fanconi Anemia. Identifiers: Orphanet 84, MedGen C1836860, MONDO:0012187, OMIM 609054.
Hereditary cancer-predisposing syndrome. Also called: Hereditary Cancer Syndrome; Neoplastic Syndromes, Hereditary; Hereditary neoplastic syndrome; Tumor predisposition. Identifiers: Orphanet 140162, MedGen C0027672, MeSH D009386, MONDO:0015356.

Allele frequency attached by ClinVar (database versions not stated): gnomAD exomes below 0.00001; gnomAD 0.00001; TOPMed 0.00001.
gnomAD v4.1: 4 of 1,613,998 alleles (0.00025%); highest among the groups gnomAD compares: East Asian, 0.0089%; no homozygotes.

Submissions (5):

Labcorp Genetics (formerly Invitae), Labcorp
Classification: Uncertain significance for Familial cancer of breast; Fanconi anemia complementation group J. Last evaluated: 2024-11-11. Review status: criteria provided, single submitter. Criteria: Invitae Variant Classification Sherloc (09022015). Collection method: clinical testing. Allele origin: germline.
Comment: This sequence change replaces threonine, which is neutral and polar, with isoleucine, which is neutral and non-polar, at codon 1072 of the BRIP1 protein (p.Thr1072Ile). This variant is present in population databases (no rsID available, gnomAD 0.01%). This variant has not been reported in the literature in individuals affected with BRIP1-related conditions. ClinVar contains an entry for this variant (Variation ID: 823224). Invitae Evidence Modeling of protein sequence and biophysical properties (such as structural, functional, and spatial information, amino acid conservation, physicochemical variation, residue mobility, and thermodynamic stability) indicates that this missense variant is not expected to disrupt BRIP1 protein function with a negative predictive value of 95%. In summary, the available evidence is currently insufficient to determine the role of this variant in disease. Therefore, it has been classified as a Variant of Uncertain Significance.

Color Diagnostics, LLC DBA Color Health
Classification: Uncertain significance for Hereditary cancer-predisposing syndrome. Last evaluated: 2023-12-06. Review status: criteria provided, single submitter. Criteria: ACMG Guidelines, 2015. Collection method: clinical testing. Allele origin: germline.
Comment: This missense variant replaces threonine with isoleucine at codon 1072 of the BRIP1 protein. Computational prediction suggests that this variant may not impact protein structure and function (internally defined REVEL score threshold <= 0.5, PMID: 27666373). To our knowledge, functional studies have not been reported for this variant. This variant has not been reported in individuals affected with hereditary cancer in the literature. This variant has been identified in 2/282762 chromosomes in the general population by the Genome Aggregation Database (gnomAD). The available evidence is insufficient to determine the role of this variant in disease conclusively. Therefore, this variant is classified as a Variant of Uncertain Significance.

Quest Diagnostics Nichols Institute San Juan Capistrano
Classification: Uncertain significance. Last evaluated: 2023-10-14. Review status: criteria provided, single submitter. Criteria: Quest Diagnostics criteria. Collection method: clinical testing. Allele origin: unknown.

Ambry Genetics
Classification: Uncertain significance for Hereditary cancer-predisposing syndrome. Last evaluated: 2023-09-20. Review status: criteria provided, single submitter. Criteria: Ambry Variant Classification Scheme 2023. Collection method: clinical testing. Allele origin: germline.
Comment: The p.T1072I variant (also known as c.3215C>T), located in coding exon 19 of the BRIP1 gene, results from a C to T substitution at nucleotide position 3215. The threonine at codon 1072 is replaced by isoleucine, an amino acid with similar properties. This amino acid position is poorly conserved in available vertebrate species. In addition, this alteration is predicted to be tolerated by in silico analysis. Since supporting evidence is limited at this time, the clinical significance of this alteration remains unclear.

Women's Health and Genetics/Laboratory Corporation of America, LabCorp
Classification: Uncertain significance. Last evaluated: 2022-02-14. Review status: criteria provided, single submitter. Criteria: LabCorp Variant Classification Summary - May 2015. Collection method: clinical testing. Allele origin: germline.

Literature cited by the submitters: PubMed 33471991 (cited by Quest Diagnostics Nichols Institute San Juan Capistrano).

NM_032043.3(BRIP1):c.3215C>T (p.Thr1072Ile)

Gene: BRIP1 (BRCA1 interacting DNA helicase 1; minus strand). Cytogenetic location: 17q23.2.
Variant type: single nucleotide variant.
Coding change: c.3215C>T on transcript NM_032043.3 (MANE Select); coding-DNA position 3215, C replaced by T.
Protein change: p.Thr1072Ile; replaces threonine 1072 with isoleucine.
Molecular consequence: missense variant.
Genome position (GRCh38, 1-based): chr17:61,683,831, G>A on the plus strand (C>T on the coding strand, the complement: BRIP1 is on the minus strand). VCF-style: chr17-61683831-G-A. GRCh37 (hg19) VCF-style: chr17-59761192-G-A.
Other names: short protein forms T1072I.
Identifiers: ClinVar variation 823224 (VCV000823224.21), dbSNP rs786204068, ClinGen allele CA400479278.